The following is an entry in ClinVar:

ClinVar aggregate classification (germline): Likely benign. Review status: criteria provided, multiple submitters, no conflicts (2 of 4 stars). 3 submissions from 3 submitters: Likely benign (3). Last evaluated 2025-11-01.

Conditions:
Autosomal recessive limb-girdle muscular dystrophy type 2J (LGMDR10). Also called: MUSCULAR DYSTROPHY, LIMB-GIRDLE, AUTOSOMAL RECESSIVE 10; Limb-girdle muscular dystrophy, type 2J. Identifiers: Orphanet 140922, MedGen C1837342, MONDO:0012127, OMIM 608807.
Dilated cardiomyopathy 1G (CMD1G). Identifiers: Orphanet 154, MedGen C1858763, MONDO:0011400, OMIM 604145.
Cardiovascular phenotype. Identifiers: MedGen CN230736.

gnomAD v4.1: 18 of 1,612,706 alleles (0.0011%); highest among the groups gnomAD compares: East Asian, 0.0022%; no homozygotes.

Submissions (3):

CeGaT Center for Human Genetics Tuebingen
Classification: Likely benign. Last evaluated: 2025-11-01. Review status: criteria provided, single submitter. Criteria: CeGaT Center For Human Genetics Tuebingen Variant Classification Criteria Version 2. Collection method: clinical testing. Allele origin: germline. Affected: yes. Observed: 2 variant alleles.
Comment: TTN: BP4, BP7

Labcorp Genetics (formerly Invitae), Labcorp
Classification: Likely benign for Dilated cardiomyopathy 1G; Autosomal recessive limb-girdle muscular dystrophy type 2J. Last evaluated: 2024-05-04. Review status: criteria provided, single submitter. Criteria: Invitae Variant Classification Sherloc (09022015). Collection method: clinical testing. Allele origin: germline.

Ambry Genetics
Classification: Likely benign for Cardiovascular phenotype. Last evaluated: 2019-12-04. Review status: criteria provided, single submitter. Criteria: Ambry Variant Classification Scheme 2023. Collection method: clinical testing. Allele origin: germline.

NM_001267550.2(TTN):c.14118C>T (p.Ile4706=)

Gene: TTN (titin; minus strand). Cytogenetic location: 2q31.2.
Variant type: single nucleotide variant.
Coding change: c.14118C>T on transcript NM_001267550.2 (MANE Select); coding-DNA position 14118, C replaced by T.
Protein change: p.Ile4706=; no amino-acid change (isoleucine 4706 retained).
Molecular consequence: synonymous variant.
Genome position (GRCh38, 1-based): chr2:178,738,335, G>A on the plus strand (C>T on the coding strand, the complement: TTN is on the minus strand). VCF-style: chr2-178738335-G-A. GRCh37 (hg19) VCF-style: chr2-179603062-G-A.
Other names: c.13167C>T, p.Ile4389= (NM_001256850.1); c.13029C>T, p.Ile4343= (NM_003319.4); c.10386C>T, p.Ile3462= (NM_133378.4); c.13404C>T, p.Ile4468= (NM_133432.3); c.13605C>T, p.Ile4535= (NM_133437.4).
Identifiers: ClinVar variation 1769427 (VCV001769427.21), dbSNP rs267599072, ClinGen allele CA2002468.